The following is an entry in ClinVar:

NM_015030.2(FRYL):c.5633T>A (p.Ile1878Asn)

Gene: FRYL (FRY like transcription coactivator; minus strand). Cytogenetic location: 4p11.
Variant type: single nucleotide variant.
Coding change: c.5633T>A on transcript NM_015030.2 (MANE Select); coding-DNA position 5633, T replaced by A.
Protein change: p.Ile1878Asn; replaces isoleucine 1878 with asparagine.
Molecular consequence: missense variant.
Genome position (GRCh38, 1-based): chr4:48,542,081, A>T on the plus strand (T>A on the coding strand, the complement: FRYL is on the minus strand). VCF-style: chr4-48542081-A-T. GRCh37 (hg19) VCF-style: chr4-48544098-A-T.
Other names: short protein forms I1878N.
Identifiers: ClinVar variation 3365701 (VCV003365701.1).

ClinVar aggregate classification (germline): Uncertain significance (1 of 4 stars; one submission).

Submission:

GeneDx
Classification: Uncertain significance. Last evaluated: 2023-12-16. Review status: criteria provided, single submitter. Criteria: GeneDx Variant Classification Process June 2021. Collection method: clinical testing. Allele origin: germline. Affected: yes.
Comment: Not observed at significant frequency in large population cohorts (gnomAD); In silico analysis supports that this missense variant has a deleterious effect on protein structure/function; Has not been previously published as pathogenic or benign to our knowledge; Variants in candidate genes are classified as variants of uncertain significance in accordance with ACMG guidelines (PMID: 25741868)